The following is an entry in ClinVar:

NM_001330288.2(SMARCC2):c.126A>T (p.Glu42Asp)

Gene: SMARCC2 (SWI/SNF related BAF chromatin remodeling complex subunit C2; minus strand). Cytogenetic location: 12q13.2.
Variant type: single nucleotide variant.
Coding change: c.126A>T on transcript NM_001330288.2 (MANE Select); coding-DNA position 126, A replaced by T.
Protein change: p.Glu42Asp; replaces glutamic acid 42 with aspartic acid.
Molecular consequence: missense variant.
Genome position (GRCh38, 1-based): chr12:56,187,292, T>A on the plus strand (A>T on the coding strand, the complement: SMARCC2 is on the minus strand). VCF-style: chr12-56187292-T-A. GRCh37 (hg19) VCF-style: chr12-56581076-T-A.
Other names: c.126A>T, p.Glu42Asp (NM_001130420.3, NM_003075.5, NM_139067.4); short protein forms E42D.
Identifiers: ClinVar variation 1397184 (VCV001397184.6), dbSNP rs1592329593, ClinGen allele CA385267722.

ClinVar aggregate classification (germline): Uncertain significance (1 of 4 stars; one submission).

Submission:

Labcorp Genetics (formerly Invitae), Labcorp
Classification: Uncertain significance. Last evaluated: 2021-01-31. Review status: criteria provided, single submitter. Criteria: Invitae Variant Classification Sherloc (09022015). Collection method: clinical testing. Allele origin: germline.
Comment: In summary, the available evidence is currently insufficient to determine the role of this variant in disease. Therefore, it has been classified as a Variant of Uncertain Significance. Algorithms developed to predict the effect of missense changes on protein structure and function are either unavailable or do not agree on the potential impact of this missense change (SIFT: "Not Available"; PolyPhen-2: "Benign"; Align-GVGD: "Not Available"). This variant has not been reported in the literature in individuals with SMARCC2-related conditions. This variant is not present in population databases (ExAC no frequency). This sequence change replaces glutamic acid with aspartic acid at codon 42 of the SMARCC2 protein (p.Glu42Asp). The glutamic acid residue is highly conserved and there is a small physicochemical difference between glutamic acid and aspartic acid.